The following is an entry in ClinVar:

ClinVar aggregate classification (germline): Uncertain significance. Review status: criteria provided, multiple submitters, no conflicts (2 of 4 stars). 5 submissions from 4 submitters: Uncertain significance (5). Last evaluated 2024-01-16.

Conditions:
Susceptibility to mononeuropathy of the median nerve, mild. Also called: CARPAL TUNNEL SYNDROME, SUSCEPTIBILITY TO. Identifiers: MedGen C3150596, MONDO:0013237, OMIM 613353.
Charcot-Marie-Tooth disease type 4C (CMT4C). Also called: CMT 4C; SH3TC2-Related Hereditary Motor and Sensory Neuropathy; Charcot-Marie-Tooth Neuropathy Type 4C (CMT4C); CHARCOT-MARIE-TOOTH DISEASE, DEMYELINATING, TYPE 4C; CHARCOT-MARIE-TOOTH DISEASE, DEMYELINATING, AUTOSOMAL RECESSIVE, TYPE 4C. Identifiers: Orphanet 99949, MedGen C1866636, MONDO:0011113, OMIM 601596.
Charcot-Marie-Tooth disease type 4. Also called: Charcot-Marie-Tooth disease, type IV; Charcot-Marie-Tooth, Type 4. Identifiers: Orphanet 64749, MedGen C4082197, MONDO:0018995.

Allele frequency attached by ClinVar (database versions not stated): TOPMed 0.00002.
gnomAD v4.1: 1 of 1,613,912 alleles (0.000062%); highest among the groups gnomAD compares: South Asian, 0.0011%; no homozygotes.

Submissions (5):

Revvity Omics, Revvity
Classification: Uncertain significance. Last evaluated: 2024-01-16. Review status: criteria provided, single submitter. Criteria: ACMG Guidelines, 2015. Collection method: clinical testing. Allele origin: germline.

Labcorp Genetics (formerly Invitae), Labcorp
Classification: Uncertain significance for Charcot-Marie-Tooth disease type 4. Last evaluated: 2021-06-01. Review status: criteria provided, single submitter. Criteria: Invitae Variant Classification Sherloc (09022015). Collection method: clinical testing. Allele origin: germline.
Comment: In summary, the available evidence is currently insufficient to determine the role of this variant in disease. Therefore, it has been classified as a Variant of Uncertain Significance. Algorithms developed to predict the effect of missense changes on protein structure and function (SIFT, PolyPhen-2, Align-GVGD) all suggest that this variant is likely to be tolerated, but these predictions have not been confirmed by published functional studies and their clinical significance is uncertain. This variant has not been reported in the literature in individuals with SH3TC2-related conditions. ClinVar contains an entry for this variant (Variation ID: 907496). This variant is not present in population databases (ExAC no frequency). This sequence change replaces arginine with leucine at codon 641 of the SH3TC2 protein (p.Arg641Leu). The arginine residue is highly conserved and there is a moderate physicochemical difference between arginine and leucine.

Athena Diagnostics
Classification: Uncertain significance. Last evaluated: 2020-11-12. Review status: criteria provided, single submitter. Criteria: Athena Diagnostics criteria. Collection method: clinical testing. Allele origin: unknown.

Illumina Laboratory Services, Illumina
Classification: Uncertain significance for Susceptibility to mononeuropathy of the median nerve, mild. Last evaluated: 2018-01-13. Review status: criteria provided, single submitter. Criteria: ICSL Variant Classification Criteria 13 December 2019. Collection method: clinical testing. Allele origin: germline.

Illumina Laboratory Services, Illumina
Classification: Uncertain significance for Charcot-Marie-Tooth disease type 4C. Last evaluated: 2018-01-13. Review status: criteria provided, single submitter. Criteria: ICSL Variant Classification Criteria 13 December 2019. Collection method: clinical testing. Allele origin: germline.

NM_024577.4(SH3TC2):c.1922G>T (p.Arg641Leu)

Gene: SH3TC2 (SH3 domain and tetratricopeptide repeats 2; minus strand). Cytogenetic location: 5q32.
Variant type: single nucleotide variant.
Coding change: c.1922G>T on transcript NM_024577.4 (MANE Select); coding-DNA position 1922, G replaced by T.
Protein change: p.Arg641Leu; replaces arginine 641 with leucine.
Molecular consequence: missense variant.
Genome position (GRCh38, 1-based): chr5:149,027,810, C>A on the plus strand (G>T on the coding strand, the complement: SH3TC2 is on the minus strand). VCF-style: chr5-149027810-C-A. GRCh37 (hg19) VCF-style: chr5-148407373-C-A.
Other names: short protein forms R641L.
Identifiers: ClinVar variation 907496 (VCV000907496.13), dbSNP rs199991156, ClinGen allele CA361667448.
Genomic context (GRCh38, chr5:149,027,810, plus strand): 5'-AGCTGCAGGCGCTCGGCAAAGGGCAGGACCTCCTCGTGCCGGCCTAGGCTCAGGAGCAAG[C>A]GGATGGCCAGAAAGCAGGCCCTGGCCTCCAGCGGGCTGCTGCCCACCACAATCCCCTGGC-3'
Protein context (NP_078853.2, residues 631-651): LEARACFLAI[Arg641Leu]LLLSLGRHEE